The following is an entry in ClinVar:

NM_000702.4(ATP1A2):c.1017+3G>A

Gene: ATP1A2 (ATPase Na+/K+ transporting subunit alpha 2; plus strand). Cytogenetic location: 1q23.2.
Variant type: single nucleotide variant.
Coding change: c.1017+3G>A on transcript NM_000702.4 (MANE Select); 3 bases into the intron after coding-DNA position 1017, G replaced by A.
Molecular consequence: intron variant.
Genome position (GRCh38, 1-based): chr1:160,127,823, G>A. VCF-style: chr1-160127823-G-A. GRCh37 (hg19) VCF-style: chr1-160097613-G-A.
Other names: c.1017+3G>A (NM_000702.3).
Identifiers: ClinVar variation 1408729 (VCV001408729.7), dbSNP rs554196702, ClinGen allele CA2573131135.

ClinVar aggregate classification (germline): Conflicting classifications of pathogenicity. Review status: criteria provided, conflicting classifications (1 of 4 stars). 2 submissions from 2 submitters: Uncertain significance (1); Likely benign (1). Last evaluated 2025-07-01.

Conditions:
ATP1A2-related disorder. Also called: ATP1A2-related condition; ATP1A2-RELATED DISORDERS.
Familial hemiplegic migraine. Identifiers: MedGen C0338484, MONDO:0000700.

gnomAD v4.1: 3 of 1,593,486 alleles (0.00019%); highest among the groups gnomAD compares: Non-Finnish European, 0.00026%; no homozygotes.

Submissions (2):

PreventionGenetics, part of Exact Sciences
Classification: Likely benign for ATP1A2-related condition. Last evaluated: 2025-07-01. Review status: criteria provided, single submitter. Criteria: ACMG Guidelines, 2015. Collection method: clinical testing. Allele origin: germline.
Comment: This variant is classified as likely benign based on ACMG/AMP sequence variant interpretation guidelines (Richards et al. 2015 PMID: 25741868, with internal and published modifications).

Labcorp Genetics (formerly Invitae), Labcorp
Classification: Uncertain significance for Familial hemiplegic migraine. Last evaluated: 2022-01-28. Review status: criteria provided, single submitter. Criteria: Invitae Variant Classification Sherloc (09022015). Collection method: clinical testing. Allele origin: germline.
Comment: In summary, the available evidence is currently insufficient to determine the role of this variant in disease. Therefore, it has been classified as a Variant of Uncertain Significance. Variants that disrupt the consensus splice site are a relatively common cause of aberrant splicing (PMID: 17576681, 9536098). Algorithms developed to predict the effect of sequence changes on RNA splicing suggest that this variant is not likely to affect RNA splicing. This variant has been observed in individual(s) with clinical features of ATP1A2-related conditions (Invitae). This variant is not present in population databases (gnomAD no frequency). This sequence change falls in intron 8 of the ATP1A2 gene. It does not directly change the encoded amino acid sequence of the ATP1A2 protein. It affects a nucleotide within the consensus splice site.

Literature cited by the submitters: PubMed 17576681 (cited by Labcorp Genetics (formerly Invitae), Labcorp); PubMed 9536098 (cited by Labcorp Genetics (formerly Invitae), Labcorp).